The following is an entry in ClinVar:

ClinVar aggregate classification (germline): Uncertain significance (1 of 4 stars; one submission).

Allele frequency attached by ClinVar (database versions not stated): ExAC 0.00001; gnomAD 0.00001.
gnomAD v4.1: 16 of 1,611,966 alleles (0.00099%); highest among the groups gnomAD compares: Non-Finnish European, 0.0012%; no homozygotes.

Submission:

Labcorp Genetics (formerly Invitae), Labcorp
Classification: Uncertain significance. Last evaluated: 2024-03-04. Review status: criteria provided, single submitter. Criteria: Invitae Variant Classification Sherloc (09022015). Collection method: clinical testing. Allele origin: germline.
Comment: This sequence change replaces arginine, which is basic and polar, with histidine, which is basic and polar, at codon 827 of the LAMA5 protein (p.Arg827His). The frequency data for this variant in the population databases is considered unreliable, as metrics indicate poor data quality at this position in the gnomAD database. This variant has not been reported in the literature in individuals affected with LAMA5-related conditions. ClinVar contains an entry for this variant (Variation ID: 1912682). Algorithms developed to predict the effect of missense changes on protein structure and function output the following: SIFT: "Not Available"; PolyPhen-2: "Benign"; Align-GVGD: "Not Available". The histidine amino acid residue is found in multiple mammalian species, which suggests that this missense change does not adversely affect protein function. In summary, the available evidence is currently insufficient to determine the role of this variant in disease. Therefore, it has been classified as a Variant of Uncertain Significance.

NM_005560.6(LAMA5):c.2480G>A (p.Arg827His)

Gene: LAMA5 (laminin subunit alpha 5; minus strand). Cytogenetic location: 20q13.33.
Variant type: single nucleotide variant.
Coding change: c.2480G>A on transcript NM_005560.6 (MANE Select); coding-DNA position 2480, G replaced by A.
Protein change: p.Arg827His; replaces arginine 827 with histidine.
Molecular consequence: missense variant.
Genome position (GRCh38, 1-based): chr20:62,335,023, C>T on the plus strand (G>A on the coding strand, the complement: LAMA5 is on the minus strand). VCF-style: chr20-62335023-C-T. GRCh37 (hg19) VCF-style: chr20-60910079-C-T.
Other names: short protein forms R827H.
Identifiers: ClinVar variation 1912682 (VCV001912682.5), dbSNP rs755083751, ClinGen allele CA9943432.